The following is an entry in ClinVar:

ClinVar aggregate classification (germline): Uncertain significance (1 of 4 stars; one submission).

Conditions:
Hereditary cancer-predisposing syndrome. Also called: Neoplastic Syndromes, Hereditary; Tumor predisposition; Hereditary Cancer Syndrome; Hereditary neoplastic syndrome. Identifiers: Orphanet 140162, MedGen C0027672, MeSH D009386, MONDO:0015356.

Submission:

Ambry Genetics
Classification: Uncertain significance for Hereditary cancer-predisposing syndrome. Last evaluated: 2026-03-09. Review status: criteria provided, single submitter. Criteria: Ambry Variant Classification Scheme 2023. Collection method: clinical testing. Allele origin: germline.
Comment: The p.F209S variant (also known as c.626T>C), located in coding exon 5 of the POLD1 gene, results from a T to C substitution at nucleotide position 626. The phenylalanine at codon 209 is replaced by serine, an amino acid with highly dissimilar properties. This amino acid position is conserved. In addition, this alteration is predicted to be deleterious by in silico analysis. Based on the available evidence, the clinical significance of this variant remains unclear.

NM_002691.4(POLD1):c.626T>C (p.Phe209Ser)

Gene: POLD1 (DNA polymerase delta 1, catalytic subunit; plus strand). Cytogenetic location: 19q13.33.
Variant type: single nucleotide variant.
Coding change: c.626T>C on transcript NM_002691.4 (MANE Select); coding-DNA position 626, T replaced by C.
Protein change: p.Phe209Ser; replaces phenylalanine 209 with serine.
Molecular consequence: missense variant. On other transcripts: non-coding transcript variant (1).
Genome position (GRCh38, 1-based): chr19:50,402,241, T>C. VCF-style: chr19-50402241-T-C. GRCh37 (hg19) VCF-style: chr19-50905498-T-C.
Other names: c.626T>C, p.Phe209Ser (NM_001438212.1, NM_001438213.1, NM_001256849.1 and 3 more transcripts); short protein forms F209S.
Identifiers: ClinVar variation 4825894 (VCV004825894.1).